The following is an entry in ClinVar:

ClinVar aggregate classification (germline): Benign. Review status: criteria provided, multiple submitters, no conflicts (2 of 4 stars). 8 submissions from 7 submitters: Benign (7). 1 of the submissions does not count toward it. Last evaluated 2026-02-04.

Conditions:
Hydrops-lactic acidosis-sideroblastic anemia-multisystemic failure syndrome. Also called: Hydrops, lactic acidosis, and sideroblastic anemia. Identifiers: Orphanet 528091, MedGen C4310761, MONDO:0014869, OMIM 617021.
Perrault syndrome 4 (PRLTS4). Identifiers: Orphanet 2855, MedGen C3809105, MONDO:0014126, OMIM 615300.

Allele frequency attached by ClinVar (database versions not stated): ESP Exome Variant Server 0.77426; TOPMed 0.77541; 1000 Genomes Project 0.78275; gnomAD 0.79761 and 0.78756; 1000 Genomes Project 30x 0.77436; gnomAD exomes 0.93603.
gnomAD v4.1: 1,488,293 of 1,614,084 alleles (92%); highest among the groups gnomAD compares: East Asian, 98%; 697,058 homozygotes.

Submissions (8):

Labcorp Genetics (formerly Invitae), Labcorp
Classification: Benign. Last evaluated: 2026-02-04. Review status: criteria provided, single submitter. Criteria: Invitae Variant Classification Sherloc (09022015). Collection method: clinical testing. Allele origin: germline.

Genome-Nilou Lab
Classification: Benign for Hydrops-lactic acidosis-sideroblastic anemia-multisystemic failure syndrome. Last evaluated: 2021-08-19. Review status: criteria provided, single submitter. Criteria: ACMG Guidelines, 2015. Collection method: clinical testing. Allele origin: germline. Affected: no.

Genome-Nilou Lab
Classification: Benign for Perrault syndrome 4. Last evaluated: 2021-08-19. Review status: criteria provided, single submitter. Criteria: ACMG Guidelines, 2015. Collection method: clinical testing. Allele origin: germline. Affected: no.

GeneDx
Classification: Benign. Last evaluated: 2015-12-02. Review status: criteria provided, single submitter. Criteria: GeneDx Variant Classification (06012015). Collection method: clinical testing. Allele origin: germline. Affected: yes.
Comment: This variant is considered likely benign or benign based on one or more of the following criteria: it is a conservative change, it occurs at a poorly conserved position in the protein, it is predicted to be benign by multiple in silico algorithms, and/or has population frequency not consistent with disease.

Laboratory for Molecular Medicine, Mass General Brigham Personalized Medicine
Classification: Benign. Last evaluated: 2014-11-24. Review status: criteria provided, single submitter. Criteria: LMM Criteria. Collection method: clinical testing. Allele origin: germline. Observed: 1,000 variant alleles.
Comment: Ala485Ala in exon 13 of LARS2: This variant is not expected to have clinical sig nificance because it does not alter an amino acid residue and is not located wit hin the splice consensus sequence. It has been identified in 44.0% (1938/4406) o f African American chromosomes from a broad population by the NHLBI Exome Sequen cing Project (dbSNP rs2128361).

Breakthrough Genomics
Classification: Benign. Review status: criteria provided, single submitter. Criteria: ACMG Guidelines, 2015. Collection method: not provided. Allele origin: germline. Inheritance: Autosomal recessive inheritance. Affected: yes.

PreventionGenetics, part of Exact Sciences
Classification: Benign. Review status: criteria provided, single submitter. Criteria: ACMG Guidelines, 2015. Collection method: clinical testing. Allele origin: germline.

Mayo Clinic Laboratories, Mayo Clinic
Classification: Benign. Last evaluated: 2016-02-16. Review status: no assertion criteria provided. Collection method: clinical testing. Allele origin: unknown. Not counted in ClinVar's aggregate classification.

NM_015340.4(LARS2):c.1455G>A (p.Ala485=)

Genes: LARS2-AS1 (LARS2 antisense RNA 1; minus strand), LARS2 (leucyl-tRNA synthetase 2, mitochondrial; plus strand). Cytogenetic location: 3p21.31.
Variant type: single nucleotide variant.
Coding change: c.1455G>A on transcript NM_015340.4 (MANE Select); coding-DNA position 1455, G replaced by A.
Protein change: p.Ala485=; no amino-acid change (alanine 485 retained).
Molecular consequence: synonymous variant.
Genome position (GRCh38, 1-based): chr3:45,491,732, G>A. VCF-style: chr3-45491732-G-A. GRCh37 (hg19) VCF-style: chr3-45533224-G-A.
Other names: c.1455G>A, p.Ala485= (NM_001368263.1).
Identifiers: ClinVar variation 226693 (VCV000226693.18), dbSNP rs2128361, ClinGen allele CA2349603.